The following is an entry in ClinVar:

GRCh38/hg38 15q13.2-13.3(chr15:30662523-32217725)x1

Genes: MIR211 (microRNA 211; minus strand), MTMR10 (myotubularin related protein 10; minus strand), OTUD7A (OTU deubiquitinase 7A; minus strand), TRPM1 (transient receptor potential cation channel subfamily M member 1; minus strand), TRPM1-AS1 (TRPM1 antisense RNA 1; plus strand) and 21 more. Cytogenetic location: 15q13.2-13.3.
Variant type: copy number loss.
Change: copy number 1 (one copy instead of two) of chr15:30,662,523-32,217,725 (1.56 Mb, GRCh38 coordinates, 1-based), cytogenetic band 15q13.2-13.3.
Identifiers: ClinVar variation 160803 (VCV000160803.1).

ClinVar aggregate classification (germline): Pathogenic. Review status: criteria provided, multiple submitters, no conflicts (2 of 4 stars). 2 submissions from 2 submitters: Pathogenic (2). Last evaluated 2011-08-12.

Submissions (2):

ISCA site 17
Classification: Pathogenic. Last evaluated: 2011-08-12. Review status: criteria provided, single submitter. Criteria: Kaminsky et al. (Genet Med. 2011). Collection method: clinical testing. Allele origin: unknown. Affected: yes. Observed: 2 variant alleles.
Comment: Copy number variation identified through the course of routine clinical cytogenomic testing in postnatal populations. Clinical assertions have been curated as described in Kaminsky et al. 2011.

ISCA site 4
Classification: Pathogenic. Last evaluated: 2011-08-12. Review status: criteria provided, single submitter. Criteria: Kaminsky et al. (Genet Med. 2011). Collection method: clinical testing. Allele origin: de novo. Affected: yes. Observed: 1 variant allele.
Comment: the same text as in the submission from ISCA site 17 above.